The following is an entry in ClinVar:

NM_182961.4(SYNE1):c.18631G>A (p.Gly6211Ser)

Gene: SYNE1 (spectrin repeat containing nuclear envelope protein 1; minus strand). Cytogenetic location: 6q25.2.
Variant type: single nucleotide variant.
Coding change: c.18631G>A on transcript NM_182961.4 (MANE Select); coding-DNA position 18631, G replaced by A.
Protein change: p.Gly6211Ser; replaces glycine 6211 with serine.
Molecular consequence: missense variant.
Genome position (GRCh38, 1-based): chr6:152,269,229, C>T on the plus strand (G>A on the coding strand, the complement: SYNE1 is on the minus strand). VCF-style: chr6-152269229-C-T. GRCh37 (hg19) VCF-style: chr6-152590364-C-T.
Other names: p.Gly6140Ser; c.18418G>A, p.Gly6140Ser (NM_033071.5); c.18631G>A (NM_182961.2); short protein forms G6140S, G6211S.
Identifiers: ClinVar variation 288815 (VCV000288815.15), dbSNP rs149624155, ClinGen allele CA4054904.

ClinVar aggregate classification (germline): Uncertain significance. Review status: criteria provided, multiple submitters, no conflicts (2 of 4 stars). 5 submissions from 5 submitters: Uncertain significance (5). Last evaluated 2025-10-08.

Conditions:
Autosomal recessive ataxia, Beauce type. Also called: Spinocerebellar ataxia, autosomal recessive 8; ATAXIA, RECESSIVE, OF BEAUCE; SYNE1 Deficiency; SYNE1-Related Autosomal Recessive Cerebellar Ataxia. Identifiers: Orphanet 88644, MedGen C1853116, MONDO:0012549, OMIM 610743.
Emery-Dreifuss muscular dystrophy 4, autosomal dominant (EDMD4). Also called: EMERY-DREIFUSS MUSCULAR DYSTROPHY 4 WITH VARIABLE FEATURES. Identifiers: Orphanet 261, MedGen C2751807, MONDO:0013071, OMIM 612998.

Allele frequency attached by ClinVar (database versions not stated): gnomAD exomes 0.00002 and 0.00004; TOPMed 0.00002; gnomAD 0.00003; ExAC 0.00005; ESP Exome Variant Server 0.00015.
gnomAD v4.1: 37 of 1,614,010 alleles (0.0023%); highest among the groups gnomAD compares: Middle Eastern, 0.049%; no homozygotes.

Submissions (5):

Athena Diagnostics
Classification: Uncertain significance. Last evaluated: 2025-10-08. Review status: criteria provided, single submitter. Criteria: Athena Diagnostics Criteria. Collection method: clinical testing. Allele origin: unknown.
Comment: Available data are insufficient to determine the clinical significance of the variant at this time. The frequency of this variant in the general population is uninformative in assessment of its pathogenicity. Polyphen and MutationTaster predict this amino acid change may be benign.

Mayo Clinic Laboratories, Mayo Clinic
Classification: Uncertain significance. Last evaluated: 2023-06-16. Review status: criteria provided, single submitter. Criteria: ACMG Guidelines, 2015. Collection method: clinical testing. Allele origin: germline. Observed: 1 variant allele.
Comment: BP4, PM2

Greenwood Genetic Center Diagnostic Laboratories, Greenwood Genetic Center
Classification: Uncertain significance. Last evaluated: 2023-04-12. Review status: criteria provided, single submitter. Criteria: ACMG Guidelines, 2015. Collection method: clinical testing. Allele origin: germline. Affected: yes.
Comment: PM2

Labcorp Genetics (formerly Invitae), Labcorp
Classification: Uncertain significance for Emery-Dreifuss muscular dystrophy 4, autosomal dominant; Autosomal recessive ataxia, Beauce type. Last evaluated: 2022-06-04. Review status: criteria provided, single submitter. Criteria: Invitae Variant Classification Sherloc (09022015). Collection method: clinical testing. Allele origin: germline.
Comment: This variant has not been reported in the literature in individuals affected with SYNE1-related conditions. ClinVar contains an entry for this variant (Variation ID: 288815). Algorithms developed to predict the effect of missense changes on protein structure and function output the following: SIFT: "Tolerated"; PolyPhen-2: "Benign"; Align-GVGD: "Class C0". The serine amino acid residue is found in multiple mammalian species, which suggests that this missense change does not adversely affect protein function. In summary, the available evidence is currently insufficient to determine the role of this variant in disease. Therefore, it has been classified as a Variant of Uncertain Significance. This variant is present in population databases (rs149624155, gnomAD 0.01%). This sequence change replaces glycine, which is neutral and non-polar, with serine, which is neutral and polar, at codon 6140 of the SYNE1 protein (p.Gly6140Ser).

Eurofins Ntd Llc (ga)
Classification: Uncertain significance. Last evaluated: 2016-06-16. Review status: criteria provided, single submitter. Criteria: EGL Classification Definitions 2015. Collection method: clinical testing. Allele origin: germline. Observed: 1 variant allele, 1 heterozygote.